The following is an entry in ClinVar:

NM_025114.4(CEP290):c.635del (p.Asn212fs)

Gene: CEP290 (centrosomal protein 290; minus strand). Cytogenetic location: 12q21.32.
Variant type: Deletion.
Coding change: c.635del on transcript NM_025114.4 (MANE Select); coding-DNA position 635, one base deleted (A; older notation c.635delA).
Protein change: p.Asn212fs; shifts the reading frame from asparagine 212.
Molecular consequence: frameshift variant.
Genome position (GRCh38, 1-based): chr12:88,130,302, T deleted on the plus strand (A on the coding strand, the reverse complement: CEP290 is on the minus strand); the first of 8 consecutive T bases (chr12:88,130,302-88,130,309); deleting any one gives the same sequence. VCF-style (leftmost placement, unchanged base first): chr12-88130301-GT-G. GRCh37 (hg19) VCF-style: chr12-88524078-GT-G.
Other names: short protein forms N212fs.
Identifiers: ClinVar variation 2124093 (VCV002124093.4), dbSNP rs769091629, ClinGen allele CA6712721.

ClinVar aggregate classification (germline): Pathogenic (1 of 4 stars; one submission).

Conditions:
Joubert syndrome. Also called: CEREBELLOPARENCHYMAL DISORDER IV; JOUBERT-BOLTSHAUSER SYNDROME; Familial aplasia of the vermis. Identifiers: Orphanet 475, MedGen C5979921, MONDO:0018772.
Nephronophthisis. Also called: Juvenile Nephronophthisis. Identifiers: Orphanet 655, MedGen C0687120, MONDO:0019005, HP:0000090.
Meckel-Gruber syndrome. Also called: DYSENCEPHALIA SPLANCHNOCYSTICA; GRUBER SYNDROME; Dysencephalia splachnocystica. Identifiers: Orphanet 564, MedGen C0265215, MONDO:0018921.

Submission:

Labcorp Genetics (formerly Invitae), Labcorp
Classification: Pathogenic for Joubert syndrome; Meckel-Gruber syndrome; Nephronophthisis. Last evaluated: 2023-12-05. Review status: criteria provided, single submitter. Criteria: Invitae Variant Classification Sherloc (09022015). Collection method: clinical testing. Allele origin: germline.
Comment: This sequence change creates a premature translational stop signal (p.Asn212Thrfs*14) in the CEP290 gene. It is expected to result in an absent or disrupted protein product. Loss-of-function variants in CEP290 are known to be pathogenic (PMID: 16909394, 17345604, 20690115). The frequency data for this variant in the population databases is considered unreliable, as metrics indicate poor data quality at this position in the gnomAD database. This variant has not been reported in the literature in individuals affected with CEP290-related conditions. ClinVar contains an entry for this variant (Variation ID: 2124093). For these reasons, this variant has been classified as Pathogenic.

Literature cited by the submitters: PubMed 16909394; PubMed 17345604; PubMed 20690115.